The following is an entry in ClinVar:

NM_133459.4(CCBE1):c.586G>A (p.Gly196Arg)

Gene: CCBE1 (collagen and calcium binding EGF domains 1; minus strand). Cytogenetic location: 18q21.32.
Variant type: single nucleotide variant.
Coding change: c.586G>A on transcript NM_133459.4 (MANE Select); coding-DNA position 586, G replaced by A.
Protein change: p.Gly196Arg; replaces glycine 196 with arginine.
Molecular consequence: missense variant.
Genome position (GRCh38, 1-based): chr18:59,454,919, C>T on the plus strand (G>A on the coding strand, the complement: CCBE1 is on the minus strand). VCF-style: chr18-59454919-C-T. GRCh37 (hg19) VCF-style: chr18-57122151-C-T.
Other names: short protein forms G196R.
Identifiers: ClinVar variation 1350329 (VCV001350329.5), dbSNP rs189700794, ClinGen allele CA8980414.

ClinVar aggregate classification (germline): Uncertain significance. Review status: criteria provided, multiple submitters, no conflicts (2 of 4 stars). 3 submissions from 3 submitters: Uncertain significance (3). Last evaluated 2024-09-02.

Allele frequency attached by ClinVar (database versions not stated): ExAC 0.00007; ESP Exome Variant Server 0.00008; gnomAD exomes 0.00009 and 0.00012; gnomAD 0.00012; TOPMed 0.00020; 1000 Genomes Project 30x 0.00031; 1000 Genomes Project 0.00040.
gnomAD v4.1: 191 of 1,614,192 alleles (0.012%); highest among the groups gnomAD compares: Admixed American, 0.04%; no homozygotes.

Submissions (3):

Blueprint Genetics
Classification: Uncertain significance. Last evaluated: 2024-09-02. Review status: criteria provided, single submitter. Criteria: ACMG Guidelines, 2015. Collection method: clinical testing. Allele origin: germline.

Labcorp Genetics (formerly Invitae), Labcorp
Classification: Uncertain significance. Last evaluated: 2022-08-01. Review status: criteria provided, single submitter. Criteria: Invitae Variant Classification Sherloc (09022015). Collection method: clinical testing. Allele origin: germline.
Comment: This sequence change replaces glycine, which is neutral and non-polar, with arginine, which is basic and polar, at codon 196 of the CCBE1 protein (p.Gly196Arg). This variant is present in population databases (rs189700794, gnomAD 0.02%). This variant has not been reported in the literature in individuals affected with CCBE1-related conditions. ClinVar contains an entry for this variant (Variation ID: 1350329). Algorithms developed to predict the effect of missense changes on protein structure and function output the following: SIFT: "Deleterious"; PolyPhen-2: "Benign"; Align-GVGD: "Class C0". The arginine amino acid residue is found in multiple mammalian species, which suggests that this missense change does not adversely affect protein function. In summary, the available evidence is currently insufficient to determine the role of this variant in disease. Therefore, it has been classified as a Variant of Uncertain Significance.

Breakthrough Genomics
Classification: Uncertain significance. Review status: criteria provided, single submitter. Criteria: ACMG Guidelines, 2015. Collection method: not provided. Allele origin: germline. Inheritance: Autosomal recessive inheritance. Affected: yes.